The following is an entry in ClinVar:

ClinVar aggregate classification (germline): Likely benign. Review status: criteria provided, multiple submitters, no conflicts (2 of 4 stars). 3 submissions from 3 submitters: Likely benign (3). Last evaluated 2023-06-08.

Conditions:
Malignant hyperthermia, susceptibility to, 1 (MHS1). Also called: Malignant hyperthermia suceptibility 1; RYR1-Related Malignant Hyperthermia Susceptibility; Anesthesia related hyperthermia; Malignant hyperpyrexia; Fulminating hyperpyrexia; Pharmacogenic myopathy. Identifiers: Orphanet 423, MedGen C2930980, MONDO:0007783, OMIM 145600.
RYR1-related disorder. Also called: RYR1-related condition; RYR1-related disorders. Identifiers: MedGen CN239331.

Allele frequency attached by ClinVar (database versions not stated): gnomAD exomes below 0.00001.
gnomAD v4.1: 2 of 1,614,122 alleles (0.00012%); highest among the groups gnomAD compares: Non-Finnish European, 0.00017%; no homozygotes.

Submissions (3):

All of Us Research Program, National Institutes of Health
Classification: Likely benign for Malignant hyperthermia, susceptibility to, 1. Last evaluated: 2023-06-08. Review status: criteria provided, single submitter. Criteria: ACMG Guidelines, 2015. Collection method: clinical testing. Allele origin: germline. Inheritance: Autosomal dominant inheritance. Observed: 1 variant allele, 1 heterozygote.
Comment: This study involves interpretation of variants in research participants for the purpose of population health screening. Participant phenotype was not available at the time of variant classification. Additional details can be found in publication PMID: 35346344, PMCID: PMC8962531

Color Diagnostics, LLC DBA Color Health
Classification: Likely benign for Malignant hyperthermia, susceptibility to, 1. Last evaluated: 2022-11-06. Review status: criteria provided, single submitter. Criteria: ACMG Guidelines, 2015. Collection method: clinical testing. Allele origin: germline.

Labcorp Genetics (formerly Invitae), Labcorp
Classification: Likely benign for RYR1-related disorder. Last evaluated: 2021-09-20. Review status: criteria provided, single submitter. Criteria: Invitae Variant Classification Sherloc (09022015). Collection method: clinical testing. Allele origin: germline.

NM_000540.3(RYR1):c.10731G>C (p.Arg3577=)

Gene: RYR1 (ryanodine receptor 1; plus strand). Cytogenetic location: 19q13.2.
Variant type: single nucleotide variant.
Coding change: c.10731G>C on transcript NM_000540.3 (MANE Select); coding-DNA position 10731, G replaced by C.
Protein change: p.Arg3577=; no amino-acid change (arginine 3577 retained).
Molecular consequence: synonymous variant.
Genome position (GRCh38, 1-based): chr19:38,527,691, G>C. VCF-style: chr19-38527691-G-C. GRCh37 (hg19) VCF-style: chr19-39018331-G-C.
Other names: c.10716G>C, p.Arg3572= (NM_001042723.2).
Identifiers: ClinVar variation 1624961 (VCV001624961.9), dbSNP rs2145719961, ClinGen allele CA507237570.